The following is an entry in ClinVar:

NM_001370259.2(MEN1):c.970C>T (p.Leu324=)

Gene: MEN1 (menin 1; minus strand). Cytogenetic location: 11q13.1.
Variant type: single nucleotide variant.
Coding change: c.970C>T on transcript NM_001370259.2 (MANE Select); coding-DNA position 970, C replaced by T.
Protein change: p.Leu324=; no amino-acid change (leucine 324 retained).
Molecular consequence: synonymous variant. On other transcripts: non-coding transcript variant (4).
Genome position (GRCh38, 1-based): chr11:64,806,311, G>A on the plus strand (C>T on the coding strand, the complement: MEN1 is on the minus strand). VCF-style: chr11-64806311-G-A. GRCh37 (hg19) VCF-style: chr11-64573783-G-A.
Other names: c.970C>T, p.Leu324= (NM_130799.3, NM_001407143.1, NM_001407144.1 and 7 more transcripts); c.985C>T, p.Leu329= (NM_130800.3, NM_130801.3, NM_130802.3 and 5 more transcripts); c.865C>T, p.Leu289= (NM_001407148.1, NM_001407149.1, NM_001407151.1 and 2 more transcripts).
Identifiers: ClinVar variation 3773312 (VCV003773312.1).

ClinVar aggregate classification (germline): Benign (1 of 4 stars; one submission).

Conditions:
Multiple endocrine neoplasia, type 1 (MEN1). Also called: MEN I; WERMER SYNDROME; Endocrine adenomatosis multiple; MEN 1; MEA I. Identifiers: Orphanet 652, MedGen C0025267, MeSH D018761, MONDO:0007540, OMIM 131100.

Submission:

Myriad Genetics, Inc.
Classification: Benign for Multiple endocrine neoplasia, type 1. Last evaluated: 2024-11-04. Review status: criteria provided, single submitter. Criteria: Myriad Autosomal Dominant, Autosomal Recessive and X-Linked Classification Criteria (2023). Collection method: clinical testing. Allele origin: unknown.
Comment: This variant is considered benign. This variant is a silent/synonymous amino acid change and it is not expected to impact splicing.